The following is an entry in ClinVar:

NM_001080467.3(MYO5B):c.3853del (p.Ile1285fs)

Gene: MYO5B (myosin VB; minus strand). Cytogenetic location: 18q21.1.
Variant type: Deletion.
Coding change: c.3853del on transcript NM_001080467.3 (MANE Select); coding-DNA position 3853, one base deleted (A; older notation c.3853delA).
Protein change: p.Ile1285fs; shifts the reading frame from isoleucine 1285.
Molecular consequence: frameshift variant.
Genome position (GRCh38, 1-based): chr18:49,863,318, T deleted on the plus strand (A on the coding strand, the reverse complement: MYO5B is on the minus strand). VCF-style (leftmost placement, unchanged base first): chr18-49863317-AT-A. GRCh37 (hg19) VCF-style: chr18-47389687-AT-A.
Other names: short protein forms I1285fs.
Identifiers: ClinVar variation 4712839 (VCV004712839.1).

ClinVar aggregate classification (germline): Pathogenic (1 of 4 stars; one submission).

Submission:

Labcorp Genetics (formerly Invitae), Labcorp
Classification: Pathogenic. Last evaluated: 2025-06-13. Review status: criteria provided, single submitter. Criteria: Invitae Variant Classification Sherloc (09022015). Collection method: clinical testing. Allele origin: germline.
Comment: This sequence change creates a premature translational stop signal (p.Ile1285Leufs*39) in the MYO5B gene. It is expected to result in an absent or disrupted protein product. Loss-of-function variants in MYO5B are known to be pathogenic (PMID: 18724368, 20186687). This variant is not present in population databases (gnomAD no frequency). This variant has not been reported in the literature in individuals affected with MYO5B-related conditions. For these reasons, this variant has been classified as Pathogenic.

Literature cited by the submitters: PubMed 18724368; PubMed 20186687.